The following is an entry in ClinVar:

ClinVar aggregate classification (germline): Uncertain significance. Review status: criteria provided, multiple submitters, no conflicts (2 of 4 stars). 13 submissions from 13 submitters: Uncertain significance (12). 1 of the submissions does not count toward it. Last evaluated 2026-01-25.

Conditions:
Classic or attenuated familial adenomatous polyposis. Identifiers: MedGen CN372698, MONDO:0021057.
Hereditary cancer-predisposing syndrome. Also called: Tumor predisposition; Neoplastic Syndromes, Hereditary; Hereditary Cancer Syndrome; Hereditary neoplastic syndrome. Identifiers: Orphanet 140162, MedGen C0027672, MeSH D009386, MONDO:0015356.
Familial adenomatous polyposis 1 (FAP1). Also called: POLYPOSIS, ADENOMATOUS INTESTINAL; FAMILIAL ADENOMATOUS POLYPOSIS 1, ATTENUATED. Identifiers: MedGen C2713442, MONDO:0021056, OMIM 175100. Disease mechanism: loss of function.

Allele frequency attached by ClinVar (database versions not stated): gnomAD 0.00004 and 0.00003; ESP Exome Variant Server 0.00008; ExAC 0.00001; gnomAD exomes 0.00001; TOPMed 0.00001.
gnomAD v4.1: 22 of 1,613,254 alleles (0.0014%); highest among the groups gnomAD compares: African/African-American, 0.004%; no homozygotes.

Submissions (13):

Labcorp Genetics (formerly Invitae), Labcorp
Classification: Uncertain significance for Familial adenomatous polyposis 1. Last evaluated: 2026-01-25. Review status: criteria provided, single submitter. Criteria: Invitae Variant Classification Sherloc (09022015). Collection method: clinical testing. Allele origin: germline.
Comment: This sequence change replaces histidine, which is basic and polar, with tyrosine, which is neutral and polar, at codon 2532 of the APC protein (p.His2532Tyr). This variant is present in population databases (rs375080917, gnomAD 0.004%). This variant has not been reported in the literature in individuals affected with APC-related conditions. ClinVar contains an entry for this variant (Variation ID: 220176). Invitae Evidence Modeling of protein sequence and biophysical properties (such as structural, functional, and spatial information, amino acid conservation, physicochemical variation, residue mobility, and thermodynamic stability) indicates that this missense variant is not expected to disrupt APC protein function with a negative predictive value of 95%. In summary, the available evidence is currently insufficient to determine the role of this variant in disease. Therefore, it has been classified as a Variant of Uncertain Significance.

Ambry Genetics
Classification: Uncertain significance for Hereditary cancer-predisposing syndrome. Last evaluated: 2025-07-15. Review status: criteria provided, single submitter. Criteria: Ambry Variant Classification Scheme 2023. Collection method: clinical testing. Allele origin: germline.
Comment: The p.H2532Y variant (also known as c.7594C>T), located in coding exon 15 of the APC gene, results from a C to T substitution at nucleotide position 7594. The histidine at codon 2532 is replaced by tyrosine, an amino acid with similar properties. This amino acid position is well conserved in available vertebrate species. In addition, in silico predictors for this gene do not accurately predict pathogenicity. Since supporting evidence is limited at this time, the clinical significance of this alteration remains unclear.

Blueprint Genetics
Classification: Uncertain significance. Last evaluated: 2024-08-13. Review status: criteria provided, single submitter. Criteria: ACMG Guidelines, 2015. Collection method: clinical testing. Allele origin: germline.

All of Us Research Program, National Institutes of Health
Classification: Uncertain significance for Classic or attenuated familial adenomatous polyposis. Last evaluated: 2024-07-29. Review status: criteria provided, single submitter. Criteria: ACMG Guidelines, 2015. Collection method: clinical testing. Allele origin: germline. Inheritance: Autosomal dominant inheritance. Observed: 8 variant alleles, 8 heterozygotes.
Comment: This missense variant replaces histidine with tyrosine at codon 2532 of the APC protein. Computational prediction is inconclusive regarding the impact of this variant on protein structure and function (internally defined REVEL score threshold 0.5 < inconclusive < 0.7, PMID: 27666373). To our knowledge, functional studies have not been reported for this variant. This variant has not been reported in individuals affected with hereditary cancer in the literature. This variant has been identified in 5/282074 chromosomes in the general population by the Genome Aggregation Database (gnomAD). The available evidence is insufficient to determine the role of this variant in disease conclusively. Therefore, this variant is classified as a Variant of Uncertain Significance.

This study involves interpretation of variants in research participants for the purpose of population health screening. Participant phenotype was not available at the time of variant classification. Additional details can be found in publication PMID: 35346344, PMCID: PMC8962531

Color Diagnostics, LLC DBA Color Health
Classification: Uncertain significance for Hereditary cancer-predisposing syndrome. Last evaluated: 2024-07-17. Review status: criteria provided, single submitter. Criteria: ACMG Guidelines, 2015. Collection method: clinical testing. Allele origin: germline.
Comment: This missense variant replaces histidine with tyrosine at codon 2532 of the APC protein. Computational prediction suggests that this variant may not impact protein structure and function (internally defined REVEL score threshold <= 0.5, PMID: 27666373). To our knowledge, functional studies have not been reported for this variant. This variant has not been reported in individuals affected with APC-related disorders in the literature. This variant has been identified in 5/282074 chromosomes in the general population by the Genome Aggregation Database (gnomAD). The available evidence is insufficient to determine the role of this variant in disease conclusively. Therefore, this variant is classified as a Variant of Uncertain Significance.

Baylor Genetics
Classification: Uncertain significance for Familial adenomatous polyposis 1. Last evaluated: 2023-08-24. Review status: criteria provided, single submitter. Criteria: ACMG Guidelines, 2015. Collection method: clinical testing. Allele origin: unknown.

GeneDx
Classification: Uncertain significance. Last evaluated: 2023-08-15. Review status: criteria provided, single submitter. Criteria: GeneDx Variant Classification Process June 2021. Collection method: clinical testing. Allele origin: germline. Affected: yes.
Comment: Not observed at significant frequency in large population cohorts (gnomAD); In silico analysis supports that this missense variant does not alter protein structure/function; Has not been previously published as pathogenic or benign to our knowledge; This variant is associated with the following publications: (PMID: 31784493)

Myriad Genetics, Inc.
Classification: Uncertain significance for Familial adenomatous polyposis 1. Last evaluated: 2023-02-15. Review status: criteria provided, single submitter. Criteria: Myriad Autosomal Dominant, Autosomal Recessive and X-Linked Classification Criteria (2023). Collection method: clinical testing. Allele origin: unknown.
Comment: This variant is classified as a variant of uncertain significance as there is insufficient evidence to determine its impact on protein function and/or cancer risk.

Sema4
Classification: Uncertain significance for Hereditary cancer-predisposing syndrome. Last evaluated: 2022-02-17. Review status: criteria provided, single submitter. Criteria: Sema4 Curation Guidelines. Collection method: curation. Allele origin: germline.
Comment: To the best of our knowledge, the APC c.7594C>T (p.H2532Y) variant has not been reported in individuals with APC-related disease. It was observed in 5/282074 chromosomes in the large and broad cohorts of the Genome Aggregation Database (PMID: 32461654). This variant has been reported in ClinVar (Variation ID 220176). Functional studies have not been performed, and in silico predictions of the variant's effect on protein function are inconclusive. The evidence is insufficient to meet ACMG/AMP criteria for classifying the variant as benign or pathogenic. Thus, the clinical significance of this variant is currently uncertain.

Quest Diagnostics Nichols Institute San Juan Capistrano
Classification: Uncertain significance. Last evaluated: 2020-08-13. Review status: criteria provided, single submitter. Criteria: Quest Diagnostics criteria. Collection method: clinical testing. Allele origin: unknown.

ARUP Laboratories, Molecular Genetics and Genomics, ARUP Laboratories
Classification: Uncertain significance. Last evaluated: 2019-01-23. Review status: criteria provided, single submitter. Criteria: ARUP Molecular Germline Variant Investigation Process. Collection method: clinical testing. Allele origin: germline.
Comment: The APC c.7594C>T; p.His2532Tyr variant (rs375080917), to our knowledge, is not reported in the medical literature but is reported in ClinVar (Variation ID: 220176). This variant is found on only five chromosomes in the Genome Aggregation Database, indicating it is not a common polymorphism. The histidine at codon 2532 is highly conserved, and computational analyses (SIFT, PolyPhen-2) predict that this variant is deleterious. The vast majority of pathogenic APC variants are truncating nonsense or frameshift variants. However, given the lack of clinical and functional data, the significance of the p.His2532Tyr variant is uncertain at this time. References: Link to InSiGHt. Kerr SE et al. APC germline mutations in individuals being evaluated for familial adenomatous polyposis: a review of the Mayo Clinic experience with 1591 consecutive tests. J Mol Diagn. 2013 Jan;15(1):31-43.

Women's Health and Genetics/Laboratory Corporation of America, LabCorp
Classification: Uncertain significance. Last evaluated: 2016-06-20. Review status: criteria provided, single submitter. Criteria: LabCorp Variant Classification Summary - May 2015. Collection method: clinical testing. Allele origin: germline.
Comment: Variant summary: The APC c.7594C>T (p.His2532Tyr) variant involves the alteration of a conserved nucleotide. 3/4 in silico tools predict a damaging outcome (SNPs&GO not captured due to low reliability index). This variant was found in 1/121346 control chromosomes at a frequency of 0.0000082, which does not exceed the estimated maximal expected allele frequency of a pathogenic APC variant (0.0000714).The variant of interest has not, to our knowledge, been reported in affected individuals via publications, nor evaluated for functional impact by in vivo/vitro studies. It has been classified as VUS by one lab in ClinVar. The variant has been reported in the germline of a sample by a lab and as somatic occurrence in one endometrial cancer by COSMIC; both without strong evidence for or against pathogenicity. Because of lack of sufficient clinical information and functional studies, the variant is currently classified as a variant of uncertain significance (VUS) until additional information becomes available.

Counsyl
Classification: Uncertain significance for Familial adenomatous polyposis 1. Last evaluated: 2017-04-18. Review status: no assertion criteria provided. Collection method: clinical testing. Allele origin: unknown. Not counted in ClinVar's aggregate classification.

NM_000038.6(APC):c.7594C>T (p.His2532Tyr)

Gene: APC (APC regulator of Wnt signaling pathway; plus strand). Cytogenetic location: 5q22.2.
Variant type: single nucleotide variant.
Coding change: c.7594C>T on transcript NM_000038.6 (MANE Select); coding-DNA position 7594, C replaced by T.
Protein change: p.His2532Tyr; replaces histidine 2532 with tyrosine.
Molecular consequence: missense variant.
Genome position (GRCh38, 1-based): chr5:112,843,188, C>T. VCF-style: chr5-112843188-C-T. GRCh37 (hg19) VCF-style: chr5-112178885-C-T.
Other names: c.7594C>T, p.His2532Tyr (NM_001127510.3, NM_001354895.2); c.7540C>T, p.His2514Tyr (NM_001127511.3); c.7648C>T, p.His2550Tyr (NM_001354896.2); c.7624C>T, p.His2542Tyr (NM_001354897.2); c.7519C>T, p.His2507Tyr (NM_001354898.2); c.7510C>T, p.His2504Tyr (NM_001354899.2); c.7471C>T, p.His2491Tyr (NM_001354900.2); c.7417C>T, p.His2473Tyr (NM_001354901.2); and 5 more; short protein forms H2514Y, H2532Y, H2504Y, H2431Y, H2473Y, H2491Y, H2507Y, H2550Y.
Identifiers: ClinVar variation 220176 (VCV000220176.38), dbSNP rs375080917, ClinGen allele CA048637.